The following is an entry in ClinVar:

ClinVar aggregate classification (germline): Uncertain significance. Review status: criteria provided, multiple submitters, no conflicts (2 of 4 stars). 2 submissions from 2 submitters: Uncertain significance (2). Last evaluated 2024-10-19.

Allele frequency attached by ClinVar (database versions not stated): ExAC 0.00008; TOPMed 0.00001; gnomAD 0.00001.
gnomAD v4.1: 34 of 1,488,286 alleles (0.0023%); highest among the groups gnomAD compares: South Asian, 0.019%; no homozygotes.

Submissions (2):

Ambry Genetics
Classification: Uncertain significance. Last evaluated: 2024-10-19. Review status: criteria provided, single submitter. Criteria: Ambry Variant Classification Scheme 2023. Collection method: clinical testing. Allele origin: germline.

Labcorp Genetics (formerly Invitae), Labcorp
Classification: Uncertain significance. Last evaluated: 2024-10-02. Review status: criteria provided, single submitter. Criteria: Invitae Variant Classification Sherloc (09022015). Collection method: clinical testing. Allele origin: germline.
Comment: This sequence change replaces proline, which is neutral and non-polar, with leucine, which is neutral and non-polar, at codon 14 of the DSCAML1 protein (p.Pro14Leu). This variant is present in population databases (rs772510333, gnomAD 0.01%). This variant has not been reported in the literature in individuals affected with DSCAML1-related conditions. ClinVar contains an entry for this variant (Variation ID: 2160677). Experimental studies and prediction algorithms are not available or were not evaluated, and the functional significance of this variant is currently unknown. In summary, the available evidence is currently insufficient to determine the role of this variant in disease. Therefore, it has been classified as a Variant of Uncertain Significance.

NC_000011.10:g.117797219G>A

Gene: DSCAML1 (DS cell adhesion molecule like 1; minus strand). Cytogenetic location: 11q23.3.
Variant type: single nucleotide variant.
Molecular consequence: intron variant (on NM_001367905.1).
Genome position: GRCh38 VCF-style: chr11-117797219-G-A. GRCh37 (hg19) VCF-style: chr11-117667934-G-A.
Other names: c.-362-16409C>T (NM_001367905.1).
Identifiers: ClinVar variation 2160677 (VCV002160677.4), dbSNP rs772510333, ClinGen allele CA6297720.